The following is an entry in ClinVar:

ClinVar aggregate classification (germline): Uncertain significance. Review status: criteria provided, multiple submitters, no conflicts (2 of 4 stars). 3 submissions from 3 submitters: Uncertain significance (3). Last evaluated 2026-09-08.

Conditions:
Cardiovascular phenotype. Identifiers: MedGen CN230736.
Fabry disease. Also called: GLA DEFICIENCY; HEREDITARY DYSTOPIC LIPIDOSIS; Fabry's disease; ALPHA-GALACTOSIDASE A DEFICIENCY; ANDERSON-FABRY DISEASE; CERAMIDE TRIHEXOSIDASE DEFICIENCY. Identifiers: Orphanet 324, MedGen C0002986, MONDO:0010526, OMIM 301500, HP:0001071. Disease mechanism: Fabry disease is due to inactivating mutations in the X-linked GLA gene resulting in deficiency of the enzyme Alpha Galactosidase-A., loss of function.

Submissions (3):

Genomenon, Inc
Classification: Uncertain significance for Fabry disease. Last evaluated: 2026-09-08. Review status: criteria provided, single submitter. Criteria: Genomenon Sequence Variant Interpretation Standards - Updated. Collection method: curation. Allele origin: germline. Affected: yes.
Comment: GLA p.Leu106Pro (c.317T>C) is a missense variant that changes the amino acid at codon 106 from Leucine to Proline. This variant has been observed in at least one proband with clinical features consistent with Fabry disease (PMID:33954932). It is absent or not present at a significant frequency in gnomAD. In silico models predict that this variant is possibly or probably damaging. In conclusion, we classify GLA p.Leu106Pro (c.317T>C) as a variant of uncertain significance.

All of Us Research Program, National Institutes of Health
Classification: Uncertain significance for Fabry disease. Last evaluated: 2023-05-04. Review status: criteria provided, single submitter. Criteria: ACMG Guidelines, 2015. Collection method: clinical testing. Allele origin: germline. Inheritance: X-linked inheritance. Observed: 1 variant allele, 1 heterozygote.
Comment: This missense variant replaces leucine with proline at codon 106 of the GLA protein. Computational prediction suggests that this variant may have deleterious impact on protein structure and function (internally defined REVEL score threshold >= 0.7, PMID: 27666373). To our knowledge, functional studies have not been reported for this variant. This variant has not been reported in individuals affected with GLA-related disorders in the literature. This variant has not been identified in the general population by the Genome Aggregation Database (gnomAD). The available evidence is insufficient to determine the role of this variant in disease conclusively. Therefore, this variant is classified as a Variant of Uncertain Significance.

This study involves interpretation of variants in research participants for the purpose of population health screening. Participant phenotype was not available at the time of variant classification. Additional details can be found in publication PMID: 35346344, PMCID: PMC8962531

Ambry Genetics
Classification: Uncertain significance for Cardiovascular phenotype. Last evaluated: 2021-07-23. Review status: criteria provided, single submitter. Criteria: Ambry Variant Classification Scheme 2023. Collection method: clinical testing. Allele origin: germline.
Comment: The p.L106P variant (also known as c.317T>C), located in coding exon 2 of the GLA gene, results from a T to C substitution at nucleotide position 317. The leucine at codon 106 is replaced by proline, an amino acid with similar properties. This amino acid position is highly conserved in available vertebrate species. In addition, this alteration is predicted to be deleterious by in silico analysis. Since supporting evidence is limited at this time, the clinical significance of this alteration remains unclear.

Literature cited by the submitters: PubMed 33954932 (cited by Genomenon, Inc).

NM_000169.3(GLA):c.317T>C (p.Leu106Pro)

Genes: GLA (galactosidase alpha; minus strand), RPL36A-HNRNPH2 (RPL36A-HNRNPH2 readthrough; plus strand). Cytogenetic location: Xq22.1.
Variant type: single nucleotide variant.
Coding change: c.317T>C on transcript NM_000169.3 (MANE Select); coding-DNA position 317, T replaced by C.
Protein change: p.Leu106Pro; replaces leucine 106 with proline.
Molecular consequence: missense variant. On other transcripts: non-coding transcript variant (3), intron variant (2).
Genome position (GRCh38, 1-based): chrX:101,403,863, A>G on the plus strand (T>C on the coding strand, the complement: GLA is on the minus strand). VCF-style: chrX-101403863-A-G. GRCh37 (hg19) VCF-style: chrX-100658851-A-G.
Other names: c.440T>C, p.Leu147Pro (NM_001406747.1, NM_001406749.1); c.317T>C, p.Leu106Pro (NM_001406748.1); c.301-8073A>G (NM_001199973.2); c.178-8073A>G (NM_001199974.2); short protein forms L106P, L147P.
Identifiers: ClinVar variation 1728534 (VCV001728534.5), dbSNP rs2520913005, ClinGen allele CA413933282.